The following is an entry in ClinVar:

ClinVar aggregate classification (germline): Uncertain significance (1 of 4 stars; one submission).

Allele frequency attached by ClinVar (database versions not stated): gnomAD exomes below 0.00001; gnomAD 0.00001; TOPMed 0.00002.
gnomAD v4.1: 2 of 1,600,760 alleles (0.00012%); highest among the groups gnomAD compares: African/African-American, 0.0027%; no homozygotes.

Submission:

GeneDx
Classification: Uncertain significance. Last evaluated: 2024-02-07. Review status: criteria provided, single submitter. Criteria: GeneDx Variant Classification Process June 2021. Collection method: clinical testing. Allele origin: germline.
Comment: Not observed at significant frequency in large population cohorts (gnomAD); in silico analysis supports a deleterious effect on splicing; In silico analysis supports that this missense variant does not alter protein structure/function; Has not been previously published as pathogenic or benign to our knowledge

NM_014915.3(ANKRD26):c.1240G>A (p.Glu414Lys)

Gene: ANKRD26 (ankyrin repeat domain 26; minus strand). Cytogenetic location: 10p12.1.
Variant type: single nucleotide variant.
Coding change: c.1240G>A on transcript NM_014915.3 (MANE Select); coding-DNA position 1240, G replaced by A.
Protein change: p.Glu414Lys; replaces glutamic acid 414 with lysine.
Molecular consequence: missense variant.
Genome position (GRCh38, 1-based): chr10:27,066,516, C>T on the plus strand (G>A on the coding strand, the complement: ANKRD26 is on the minus strand). VCF-style: chr10-27066516-C-T. GRCh37 (hg19) VCF-style: chr10-27355445-C-T.
Other names: c.1240G>A, p.Glu414Lys (NM_001256053.2); short protein forms E414K.
Identifiers: ClinVar variation 2502113 (VCV002502113.2), dbSNP rs1215074917, ClinGen allele CA376359493.